The following is an entry in ClinVar:

ClinVar aggregate classification (germline): Uncertain significance (1 of 4 stars; one submission).

Conditions:
Chédiak-Higashi syndrome (CHS). Also called: Chediak-Higashi Syndrome. Identifiers: Orphanet 167, MedGen C0007965, MONDO:0008963, OMIM 214500.

Allele frequency attached by ClinVar (database versions not stated): gnomAD 0.00001; TOPMed 0.00001; 1000 Genomes Project 30x 0.00016; 1000 Genomes Project 0.00020.
gnomAD v4.1: 2 of 1,614,186 alleles (0.00012%); highest among the groups gnomAD compares: East Asian, 0.0022%; no homozygotes.

Submission:

Labcorp Genetics (formerly Invitae), Labcorp
Classification: Uncertain significance for Chédiak-Higashi syndrome. Last evaluated: 2024-01-04. Review status: criteria provided, single submitter. Criteria: Invitae Variant Classification Sherloc (09022015). Collection method: clinical testing. Allele origin: germline.
Comment: This sequence change replaces serine, which is neutral and polar, with arginine, which is basic and polar, at codon 2245 of the LYST protein (p.Ser2245Arg). This variant is not present in population databases (gnomAD no frequency). This variant has not been reported in the literature in individuals affected with LYST-related conditions. Advanced modeling of protein sequence and biophysical properties (such as structural, functional, and spatial information, amino acid conservation, physicochemical variation, residue mobility, and thermodynamic stability) performed at Invitae indicates that this missense variant is not expected to disrupt LYST protein function with a negative predictive value of 80%. In summary, the available evidence is currently insufficient to determine the role of this variant in disease. Therefore, it has been classified as a Variant of Uncertain Significance.

NM_000081.4(LYST):c.6735C>G (p.Ser2245Arg)

Gene: LYST (lysosomal trafficking regulator; minus strand). Cytogenetic location: 1q42.3.
Variant type: single nucleotide variant.
Coding change: c.6735C>G on transcript NM_000081.4 (MANE Select); coding-DNA position 6735, C replaced by G.
Protein change: p.Ser2245Arg; replaces serine 2245 with arginine.
Molecular consequence: missense variant.
Genome position (GRCh38, 1-based): chr1:235,759,118, G>C on the plus strand (C>G on the coding strand, the complement: LYST is on the minus strand). VCF-style: chr1-235759118-G-C. GRCh37 (hg19) VCF-style: chr1-235922418-G-C.
Other names: c.6735C>G, p.Ser2245Arg (NM_001301365.1); short protein forms S2245R.
Identifiers: ClinVar variation 2717523 (VCV002717523.3), dbSNP rs202226437, ClinGen allele CA39616147.
Genomic context (GRCh38, chr1:235,759,118, plus strand): 5'-AAGACTTGGCCAACGGCCAACAGCTGCAGATCCGTTCTGTGAAGGAAAAGCTAGCCCAAG[G>C]CTTGCAATAGTGCTGTGGCTTCGCTGGAAGGAGGCCAATCCCTTTAGGTAATCAGGTCGG-3'
Protein context (NP_000072.2, residues 2235-2255): SFQRSHSTIA[Ser2245Arg]LGLAFPSQNG